The following is an entry in ClinVar:

ClinVar aggregate classification (germline): Benign. Review status: criteria provided, multiple submitters, no conflicts (2 of 4 stars). 9 submissions from 9 submitters: Benign (8). 1 of the submissions does not count toward it. Last evaluated 2026-01-22.

Conditions:
Microcephaly 5, primary, autosomal recessive (MCPH5). Also called: ASPM Primary Microcephaly. Identifiers: Orphanet 2512, MedGen C1837501, MONDO:0012106, OMIM 608716.

Allele frequency attached by ClinVar (database versions not stated): ExAC 0.00428; 1000 Genomes Project 0.01158; 1000 Genomes Project 30x 0.01312; ESP Exome Variant Server 0.01325; gnomAD 0.01353 and 0.01455; TOPMed 0.01432; gnomAD exomes 0.00138 and 0.00353.
gnomAD v4.1: 4,192 of 1,613,988 alleles (0.26%); highest among the groups gnomAD compares: African/African-American, 4.6%; 89 homozygotes.

Submissions (9):

Labcorp Genetics (formerly Invitae), Labcorp
Classification: Benign. Last evaluated: 2026-01-22. Review status: criteria provided, single submitter. Criteria: Invitae Variant Classification Sherloc (09022015). Collection method: clinical testing. Allele origin: germline.

Genome-Nilou Lab
Classification: Benign for Microcephaly 5, primary, autosomal recessive. Last evaluated: 2023-04-11. Review status: criteria provided, single submitter. Criteria: ACMG Guidelines, 2015. Collection method: clinical testing. Allele origin: germline. Affected: no.

Athena Diagnostics
Classification: Benign. Last evaluated: 2019-07-08. Review status: criteria provided, single submitter. Criteria: Athena Diagnostics Criteria. Collection method: clinical testing. Allele origin: germline.

Illumina Laboratory Services, Illumina
Classification: Benign for Microcephaly 5, primary, autosomal recessive. Last evaluated: 2018-01-12. Review status: criteria provided, single submitter. Criteria: ICSL Variant Classification Criteria 13 December 2019. Collection method: clinical testing. Allele origin: germline.
Comment: This variant was observed in the ICSL laboratory as part of a predisposition screen in an ostensibly healthy population. It had not been previously curated by ICSL or reported in the Human Gene Mutation Database (HGMD: prior to June 1st, 2018), and was therefore a candidate for classification through an automated scoring system. Utilizing variant allele frequency, disease prevalence and penetrance estimates, and inheritance mode, an automated score was calculated to assess if this variant is too frequent to cause the disease. Based on the score and internal cut-off values, a variant classified as benign is not then subjected to further curation. The score for this variant resulted in a classification of benign for this disease.

Center for Pediatric Genomic Medicine, Children's Mercy Hospital and Clinics
Classification: Benign. Last evaluated: 2017-04-19. Review status: criteria provided, single submitter. Criteria: ACMG Guidelines, 2015. Collection method: clinical testing. Allele origin: germline.

GeneDx
Classification: Benign. Last evaluated: 2015-09-18. Review status: criteria provided, single submitter. Criteria: GeneDx Variant Classification (06012015). Collection method: clinical testing. Allele origin: germline. Affected: yes.
Comment: This variant is considered likely benign or benign based on one or more of the following criteria: it is a conservative change, it occurs at a poorly conserved position in the protein, it is predicted to be benign by multiple in silico algorithms, and/or has population frequency not consistent with disease.

Genetic Services Laboratory, University of Chicago
Classification: Benign. Last evaluated: 2013-02-08. Review status: criteria provided, single submitter. Criteria: ACMG Guidelines, 2007. Collection method: clinical testing. Allele origin: germline. Inheritance: Autosomal recessive inheritance.

Breakthrough Genomics
Classification: Benign. Review status: criteria provided, single submitter. Criteria: ACMG Guidelines, 2015. Collection method: not provided. Allele origin: germline. Inheritance: Autosomal recessive inheritance. Affected: yes.

GeneReviews
No classification provided. Condition: Microcephaly 5, primary, autosomal recessive. Review status: no classification provided. Collection method: literature only. Allele origin: unknown. Not counted in ClinVar's aggregate classification.

Literature cited by the submitters: PubMed 20301772 (cited by Athena Diagnostics and GeneReviews); NCBI Bookshelf NBK9587 (cited by GeneReviews).

NM_018136.5(ASPM):c.1288A>G (p.Arg430Gly)

Gene: ASPM (assembly factor for spindle microtubules; minus strand). Cytogenetic location: 1q31.3.
Variant type: single nucleotide variant.
Coding change: c.1288A>G on transcript NM_018136.5 (MANE Select); coding-DNA position 1288, A replaced by G.
Protein change: p.Arg430Gly; replaces arginine 430 with glycine.
Molecular consequence: missense variant.
Genome position (GRCh38, 1-based): chr1:197,142,964, T>C on the plus strand (A>G on the coding strand, the complement: ASPM is on the minus strand). VCF-style: chr1-197142964-T-C. GRCh37 (hg19) VCF-style: chr1-197112094-T-C.
Other names: c.1288A>G, p.Arg430Gly (NM_001206846.2); short protein forms R430G.
Identifiers: ClinVar variation 21553 (VCV000021553.23), dbSNP rs6428388, ClinGen allele CA171172.